The following is an entry in ClinVar:

ClinVar aggregate classification (germline): Uncertain significance (1 of 4 stars; one submission).

Conditions:
Inborn genetic diseases. Identifiers: MedGen C0950123, MeSH D030342.

Submission:

Ambry Genetics
Classification: Uncertain significance for Inborn genetic diseases. Last evaluated: 2026-04-05. Review status: criteria provided, single submitter. Criteria: Ambry Variant Classification Scheme 2023. Collection method: clinical testing. Allele origin: germline.
Comment: The p.Y310D variant (also known as c.928T>G), located in coding exon 6 of the G6PC3 gene, results from a T to G substitution at nucleotide position 928. The tyrosine at codon 310 is replaced by aspartic acid, an amino acid with highly dissimilar properties. This amino acid position is conserved. In addition, this alteration is predicted to be deleterious by in silico analysis. Based on the available evidence, the clinical significance of this variant remains unclear.

NM_138387.4(G6PC3):c.928T>G (p.Tyr310Asp)

Gene: G6PC3 (glucose-6-phosphatase catalytic subunit 3; plus strand). Cytogenetic location: 17q21.31.
Variant type: single nucleotide variant.
Coding change: c.928T>G on transcript NM_138387.4 (MANE Select); coding-DNA position 928, T replaced by G.
Protein change: p.Tyr310Asp; replaces tyrosine 310 with aspartic acid.
Molecular consequence: missense variant. On other transcripts: 3 prime UTR variant (1).
Genome position (GRCh38, 1-based): chr17:44,075,930, T>G. VCF-style: chr17-44075930-T-G. GRCh37 (hg19) VCF-style: chr17-42153298-T-G.
Other names: c.583T>G, p.Tyr195Asp (NM_001384166.1, NM_001384167.1, NM_001384168.1 and 1 more transcripts); c.*221T>G (NM_001319945.2); short protein forms Y195D, Y310D.
Identifiers: ClinVar variation 4871588 (VCV004871588.1).